The following is an entry in ClinVar:

ClinVar aggregate classification (germline): Benign. Review status: criteria provided, multiple submitters, no conflicts (2 of 4 stars). 2 submissions from 2 submitters: Benign (2). Last evaluated 2018-06-15.

Allele frequency attached by ClinVar (database versions not stated): gnomAD exomes 0.02829; gnomAD 0.05668 and 0.05697; TOPMed 0.06288; 1000 Genomes Project 0.07488; 1000 Genomes Project 30x 0.07823.
gnomAD v4.1: 31,030 of 936,864 alleles (3.3%); highest among the groups gnomAD compares: African/African-American, 14%; 1,145 homozygotes.

Submissions (2):

GeneDx
Classification: Benign. Last evaluated: 2018-06-15. Review status: criteria provided, single submitter. Criteria: GeneDx Variant Classification (06012015). Collection method: clinical testing. Allele origin: germline. Affected: yes.
Comment: This variant is considered likely benign or benign based on one or more of the following criteria: it is a conservative change, it occurs at a poorly conserved position in the protein, it is predicted to be benign by multiple in silico algorithms, and/or has population frequency not consistent with disease.

Breakthrough Genomics
Classification: Benign. Review status: criteria provided, single submitter. Criteria: ACMG Guidelines, 2015. Collection method: not provided. Allele origin: germline. Inheritance: Autosomal dominant inheritance. Affected: yes.

NM_000465.4(BARD1):c.215+105C>G

Gene: BARD1 (BRCA1 associated RING domain 1; minus strand). Cytogenetic location: 2q35.
Variant type: single nucleotide variant.
Coding change: c.215+105C>G on transcript NM_000465.4 (MANE Select); 105 bases into the intron after coding-DNA position 215, C replaced by G.
Molecular consequence: intron variant.
Genome position (GRCh38, 1-based): chr2:214,796,956, G>C on the plus strand (C>G on the coding strand, the complement: BARD1 is on the minus strand). VCF-style: chr2-214796956-G-C. GRCh37 (hg19) VCF-style: chr2-215661680-G-C.
Other names: c.158+12456C>G (NM_001282548.2); c.159-4511C>G (NM_001282543.2); c.215+105C>G (NM_001282545.2, NM_001282549.2).
Identifiers: ClinVar variation 676541 (VCV000676541.2), dbSNP rs11891694, ClinGen allele CA64802267.